The following is an entry in ClinVar:

NM_170606.3(KMT2C):c.2681G>A (p.Arg894Gln)

Gene: KMT2C (lysine methyltransferase 2C; minus strand). Cytogenetic location: 7q36.1.
Variant type: single nucleotide variant.
Coding change: c.2681G>A on transcript NM_170606.3 (MANE Select); coding-DNA position 2681, G replaced by A.
Protein change: p.Arg894Gln; replaces arginine 894 with glutamine.
Molecular consequence: missense variant.
Genome position (GRCh38, 1-based): chr7:152,235,905, C>T on the plus strand (G>A on the coding strand, the complement: KMT2C is on the minus strand). VCF-style: chr7-152235905-C-T. GRCh37 (hg19) VCF-style: chr7-151932990-C-T.
Other names: short protein forms R894Q.
Identifiers: ClinVar variation 4884990 (VCV004884990.2).
Genomic context (GRCh38, chr7:152,235,905, plus strand): 5'-CTTTTCAGCTTTGACCTGCCTCGGCCACCTCGCCCCGACAGTCCTGCACCTCGAGGTCTC[C>T]GCTTTCCTGGAAATCCAGACCCACGGCCCTATGTAACAGATTGGGAAAAGTCAACATTCT-3'
Protein context (NP_733751.2, residues 884-904): VGRGSGFPGK[Arg894Gln]RPRGAGLSGR

ClinVar aggregate classification (germline): Uncertain significance (1 of 4 stars; one submission).

Submission:

Dasa
Classification: Uncertain significance. Last evaluated: 2025-12-20. Review status: criteria provided, single submitter. Criteria: DASA Assertion Criteria. Collection method: clinical testing. Allele origin: germline.
Comment: NM_170606.3(KMT2C):c.2681G>A (p.Arg894Gln) is a missense variant that results in the substitution of arginine with glutamine. This classification is supported by population frequency inconsistent with a disease-causing role. The currently available literature and clinical evidence are not sufficient to establish a definitive association between this variant and the reported condition. Therefore, this variant is classified as a variant of uncertain significance.